The following is an entry in ClinVar:

NM_001321324.2(MOV10):c.418C>G (p.Leu140Val)

Gene: MOV10 (Mov10 RNA helicase; plus strand). Cytogenetic location: 1p13.2.
Variant type: single nucleotide variant.
Coding change: c.418C>G on transcript NM_001321324.2 (MANE Select); coding-DNA position 418, C replaced by G.
Protein change: p.Leu140Val; replaces leucine 140 with valine.
Molecular consequence: missense variant.
Genome position (GRCh38, 1-based): chr1:112,689,491, C>G. VCF-style: chr1-112689491-C-G. GRCh37 (hg19) VCF-style: chr1-113232113-C-G.
Other names: c.418C>G, p.Leu140Val (NM_001130079.3, NM_001369507.1, NM_020963.5); c.250C>G, p.Leu84Val (NM_001286072.2, NM_001389562.1, NM_001389563.1); short protein forms L140V, L84V.
Identifiers: ClinVar variation 3036675 (VCV003036675.2), dbSNP rs376126674, ClinGen allele CA1009498.

ClinVar aggregate classification (germline): Likely benign (0 of 4 stars; one submission).

Conditions:
MOV10-related disorder. Also called: MOV10-related condition.

Allele frequency attached by ClinVar (database versions not stated): 1000 Genomes Project 30x 0.00031; 1000 Genomes Project 0.00040.

Submission:

PreventionGenetics, part of Exact Sciences
Classification: Likely benign for MOV10-related condition. Last evaluated: 2022-11-19. Review status: no assertion criteria provided. Collection method: clinical testing. Allele origin: germline.
Comment: This variant is classified as likely benign based on ACMG/AMP sequence variant interpretation guidelines (Richards et al. 2015 PMID: 25741868, with internal and published modifications).